The following is an entry in ClinVar:

NM_001572.5(IRF7):c.1276_1277insT (p.Pro426fs)

Gene: IRF7 (interferon regulatory factor 7; minus strand). Cytogenetic location: 11p15.5.
Variant type: Insertion.
Coding change: c.1276_1277insT on transcript NM_001572.5 (MANE Select); coding-DNA positions 1276 to 1277, T inserted.
Protein change: p.Pro426fs; shifts the reading frame from proline 426.
Molecular consequence: frameshift variant.
Genome position: GRCh38 VCF-style: chr11-613078-G-GA. GRCh37 (hg19) VCF-style: chr11-613078-G-GA.
Other names: c.1276_1277insT, p.Pro426fs (LRG_1313t1); c.1189_1190insT, p.Pro397fs (NM_004029.4); c.1315_1316insT, p.Pro439fs (NM_004031.4); short protein forms P397fs, P439fs, P426fs.
Identifiers: ClinVar variation 646477 (VCV000646477.5), dbSNP rs1301455443, ClinGen allele CA597020097.

ClinVar aggregate classification (germline): Uncertain significance (1 of 4 stars; one submission).

Conditions:
Immunodeficiency 39 (IMD39). Identifiers: Orphanet 574918, MedGen C4225358, MONDO:0014597, OMIM 616345.

Allele frequency attached by ClinVar (database versions not stated): gnomAD 0.00002; gnomAD exomes 0.00002; TOPMed 0.00002.

Submission:

Labcorp Genetics (formerly Invitae), Labcorp
Classification: Uncertain significance for Immunodeficiency 39. Last evaluated: 2024-02-20. Review status: criteria provided, single submitter. Criteria: Invitae Variant Classification Sherloc (09022015). Collection method: clinical testing. Allele origin: germline.
Comment: This sequence change creates a premature translational stop signal (p.Pro439Leufs*43) in the IRF7 gene. While this is not anticipated to result in nonsense mediated decay, it is expected to disrupt the last 78 amino acid(s) of the IRF7 protein. This variant is present in population databases (no rsID available, gnomAD 0.007%). This variant has not been reported in the literature in individuals affected with IRF7-related conditions. ClinVar contains an entry for this variant (Variation ID: 646477). Experimental studies and prediction algorithms are not available or were not evaluated, and the functional significance of this variant is currently unknown. In summary, the available evidence is currently insufficient to determine the role of this variant in disease. Therefore, it has been classified as a Variant of Uncertain Significance.